The following is an entry in ClinVar:

NM_024642.5(GALNT12):c.1447G>A (p.Gly483Ser)

Gene: GALNT12 (polypeptide N-acetylgalactosaminyltransferase 12; plus strand). Cytogenetic location: 9q22.33.
Variant type: single nucleotide variant.
Coding change: c.1447G>A on transcript NM_024642.5 (MANE Select); coding-DNA position 1447, G replaced by A.
Protein change: p.Gly483Ser; replaces glycine 483 with serine.
Molecular consequence: missense variant.
Genome position (GRCh38, 1-based): chr9:98,844,198, G>A. VCF-style: chr9-98844198-G-A. GRCh37 (hg19) VCF-style: chr9-101606480-G-A.
Other names: short protein forms G483S.
Identifiers: ClinVar variation 1772820 (VCV001772820.7), dbSNP rs1398978396, ClinGen allele CA374221542.

ClinVar aggregate classification (germline): Uncertain significance. Review status: criteria provided, multiple submitters, no conflicts (2 of 4 stars). 2 submissions from 2 submitters: Uncertain significance (2). Last evaluated 2025-10-05.

Allele frequency attached by ClinVar (database versions not stated): TOPMed below 0.00001; gnomAD 0.00001; gnomAD exomes 0.00001.
gnomAD v4.1: 11 of 1,605,854 alleles (0.00068%); highest among the groups gnomAD compares: Non-Finnish European, 0.00077%; no homozygotes.

Submissions (2):

Ambry Genetics
Classification: Uncertain significance. Last evaluated: 2025-10-05. Review status: criteria provided, single submitter. Criteria: Ambry Variant Classification Scheme 2023. Collection method: clinical testing. Allele origin: germline.
Comment: The p.G483S variant (also known as c.1447G>A), located in coding exon 8 of the GALNT12 gene, results from a G to A substitution at nucleotide position 1447. The glycine at codon 483 is replaced by serine, an amino acid with similar properties. This amino acid position is highly conserved in available vertebrate species. In addition, the in silico prediction for this alteration is inconclusive. Since supporting evidence is limited at this time, the clinical significance of this alteration remains unclear.

Labcorp Genetics (formerly Invitae), Labcorp
Classification: Uncertain significance. Last evaluated: 2022-12-01. Review status: criteria provided, single submitter. Criteria: Invitae Variant Classification Sherloc (09022015). Collection method: clinical testing. Allele origin: germline.
Comment: This sequence change replaces glycine, which is neutral and non-polar, with serine, which is neutral and polar, at codon 483 of the GALNT12 protein (p.Gly483Ser). This variant is present in population databases (no rsID available, gnomAD 0.0009%). In summary, the available evidence is currently insufficient to determine the role of this variant in disease. Therefore, it has been classified as a Variant of Uncertain Significance. Advanced modeling of protein sequence and biophysical properties (such as structural, functional, and spatial information, amino acid conservation, physicochemical variation, residue mobility, and thermodynamic stability) performed at Invitae indicates that this missense variant is not expected to disrupt GALNT12 protein function. This variant has not been reported in the literature in individuals affected with GALNT12-related conditions.